The following is an entry in ClinVar:

NM_203290.4(POLR1C):c.713A>G (p.Asp238Gly)

Gene: POLR1C (RNA polymerase I and III subunit C; plus strand). Cytogenetic location: 6p21.1.
Variant type: single nucleotide variant.
Coding change: c.713A>G on transcript NM_203290.4 (MANE Select); coding-DNA position 713, A replaced by G.
Protein change: p.Asp238Gly; replaces aspartic acid 238 with glycine.
Molecular consequence: missense variant.
Genome position (GRCh38, 1-based): chr6:43,520,682, A>G. VCF-style: chr6-43520682-A-G. GRCh37 (hg19) VCF-style: chr6-43488420-A-G.
Other names: c.713A>G, p.Asp238Gly (NM_001318876.2, NM_001363658.2); short protein forms D238G.
Identifiers: ClinVar variation 3339992 (VCV003339992.1).
Genomic context (GRCh38, chr6:43,520,682, plus strand): 5'-CAGGCAAAGATCATGCCAAGTTTTCACCAGTGGCAACAGCCAGTTACAGGCTCCTGCCAG[A>G]CATCACCCTGCTTGAGCCCGTGGAAGGGGAGGCAGCTGAGGAGTTGAGCAGGTGCTTCTC-3'
Protein context (NP_976035.1, residues 228-248): VATASYRLLP[Asp238Gly]ITLLEPVEGE

ClinVar aggregate classification (germline): Uncertain significance (1 of 4 stars; one submission).

gnomAD v4.1: 1 of 1,614,156 alleles (0.000062%); highest among the groups gnomAD compares: Admixed American, 0.0017%; no homozygotes.

Submission:

Women's Health and Genetics/Laboratory Corporation of America, LabCorp
Classification: Uncertain significance. Last evaluated: 2024-06-18. Review status: criteria provided, single submitter. Criteria: LabCorp Variant Classification Summary - May 2015. Collection method: clinical testing. Allele origin: germline.
Comment: Variant summary: POLR1C c.713A>G (p.Asp238Gly) results in a non-conservative amino acid change located in the DNA-directed RNA polymerase, RpoA/D/Rpb3-type domain (IPR011263) of the encoded protein sequence. Three of five in-silico tools predict a benign effect of the variant on protein function. The variant allele was found at a frequency of 4e-06 in 251448 control chromosomes (gnomAD). c.713A>G has been reported in the literature in two siblings affected with childhood ataxia with leukodystrophy where the variant segregated with the disease in the family (Han_2020). These data indicate that the variant may be associated with disease. To our knowledge, no experimental evidence demonstrating an impact on protein function has been reported. The following publication have been ascertained in the context of this evaluation (PMID: 32319256). No submitters have cited clinical-significance assessments for this variant to ClinVar. Based on the evidence outlined above, the variant was classified as VUS-possibly pathogenic.

Literature cited by the submitters: PubMed 32319256.